The following is an entry in ClinVar:

NM_018979.4(WNK1):c.210G>A (p.Ala70=)

Gene: WNK1 (WNK lysine deficient protein kinase 1; plus strand). Cytogenetic location: 12p13.33.
Variant type: single nucleotide variant.
Coding change: c.210G>A on transcript NM_018979.4 (MANE Select); coding-DNA position 210, G replaced by A.
Protein change: p.Ala70=; no amino-acid change (alanine 70 retained).
Molecular consequence: synonymous variant.
Genome position (GRCh38, 1-based): chr12:753,775, G>A. VCF-style: chr12-753775-G-A. GRCh37 (hg19) VCF-style: chr12-862941-G-A.
Other names: c.210G>A, p.Ala70= (NM_001184985.2, NM_014823.3, NM_213655.5).
Identifiers: ClinVar variation 538537 (VCV000538537.50), dbSNP rs145076179, ClinGen allele CA6381741.

ClinVar aggregate classification (germline): Likely benign. Review status: criteria provided, multiple submitters, no conflicts (2 of 4 stars). 4 submissions from 4 submitters: Likely benign (4). Last evaluated 2026-03-01.

Conditions:
WNK1-related disorder. Also called: WNK1-related condition.
Neuropathy, hereditary sensory and autonomic, type 2A (HSAN2A). Also called: MORVAN DISEASE; NEUROPATHY, CONGENITAL SENSORY; NEUROPATHY, HEREDITARY SENSORY RADICULAR, AUTOSOMAL RECESSIVE; NEUROPATHY, HEREDITARY SENSORY, TYPE IIA; NEUROPATHY, PROGRESSIVE SENSORY, OF CHILDREN; WNK1-Related HSAN2 (HSAN2A). Identifiers: Orphanet 970, MedGen C2752089, MONDO:0024309, OMIM 201300.
Pseudohypoaldosteronism type 2C (PHA2C). Also called: Pseudohypoaldosteronism Type IIC. Identifiers: Orphanet 757, Orphanet 88940, MedGen C1840391, MONDO:0013778, OMIM 614492.

Allele frequency attached by ClinVar (database versions not stated): gnomAD exomes 0.00007; ExAC 0.00008; gnomAD 0.00011 and 0.00013; TOPMed 0.00015; ESP Exome Variant Server 0.00046.
gnomAD v4.1: 318 of 1,612,290 alleles (0.02%); highest among the groups gnomAD compares: Non-Finnish European, 0.024%; 2 homozygotes.

Submissions (4):

CeGaT Center for Human Genetics Tuebingen
Classification: Likely benign. Last evaluated: 2026-03-01. Review status: criteria provided, single submitter. Criteria: CeGaT Center For Human Genetics Tuebingen Variant Classification Criteria Version 2. Collection method: clinical testing. Allele origin: germline. Affected: yes. Observed: 4 variant alleles.
Comment: WNK1: BP4, BP7

PreventionGenetics, part of Exact Sciences
Classification: Likely benign for WNK1-related condition. Last evaluated: 2025-11-14. Review status: criteria provided, single submitter. Criteria: ACMG Guidelines, 2015. Collection method: clinical testing. Allele origin: germline.
Comment: This variant is classified as likely benign based on ACMG/AMP sequence variant interpretation guidelines (Richards et al. 2015 PMID: 25741868, with internal and published modifications).

Labcorp Genetics (formerly Invitae), Labcorp
Classification: Likely benign for Neuropathy, hereditary sensory and autonomic, type 2A; Pseudohypoaldosteronism type 2C. Last evaluated: 2025-02-27. Review status: criteria provided, single submitter. Criteria: Invitae Variant Classification Sherloc (09022015). Collection method: clinical testing. Allele origin: germline.

Illumina Laboratory Services, Illumina
Classification: Likely benign for Pseudohypoaldosteronism type 2C. Last evaluated: 2018-01-12. Review status: criteria provided, single submitter. Criteria: ICSL Variant Classification Criteria 13 December 2019. Collection method: clinical testing. Allele origin: germline.
Comment: This variant was observed in the ICSL laboratory as part of a predisposition screen in an ostensibly healthy population. It had not been previously curated by ICSL or reported in the Human Gene Mutation Database (HGMD: prior to June 1st, 2018), and was therefore a candidate for classification through an automated scoring system. Utilizing variant allele frequency, disease prevalence and penetrance estimates, and inheritance mode, an automated score was calculated to assess if this variant is too frequent to cause the disease. Based on the score and internal cut-off values, a variant classified as likely benign is not then subjected to further curation. The score for this variant resulted in a classification of likely benign for this disease.